The following is an entry in ClinVar:

NM_133642.5(LARGE1):c.620_621del (p.Glu207fs)

Gene: LARGE1 (LARGE xylosyl- and glucuronyltransferase 1; minus strand). Cytogenetic location: 22q12.3.
Variant type: Deletion.
Coding change: c.620_621del on transcript NM_133642.5 (MANE Select); coding-DNA positions 620 to 621, 2 bases deleted (AA; older notation c.620_621delAA).
Protein change: p.Glu207fs; shifts the reading frame from glutamic acid 207.
Molecular consequence: frameshift variant.
Genome position (GRCh38, 1-based): chr22:33,565,014-33,565,015, TT deleted on the plus strand (AA on the coding strand, the reverse complement: LARGE1 is on the minus strand). VCF-style (leftmost placement, unchanged base first): chr22-33565013-CTT-C. GRCh37 (hg19) VCF-style: chr22-33960999-CTT-C.
Other names: c.620_621del, p.Glu207fs (NM_001362949.2, NM_001362951.2, NM_001362953.2 and 7 more transcripts); c.17_18del, p.Glu6fs (NM_001378630.1, NM_001378631.1); short protein forms E207fs, E6fs.
Identifiers: ClinVar variation 1069815 (VCV001069815.7), dbSNP rs2148785084, ClinGen allele CA2499226172.
Genomic context (GRCh38, chr22:33,565,013, plus strand): 5'-TCAGGACAAGCTTCATCAGACCATAAATCCCAGAGTAATGTTTATTGGGGATCCAGGAAA[CTT>C]CAGACTAGACAGAACAAGGCAGAGAGAGAGTTGGAGAAAGGGAAAAAAAATTGCTATATT-3'

ClinVar aggregate classification (germline): Pathogenic (1 of 4 stars; one submission).

Conditions:
Muscular dystrophy-dystroglycanopathy type B6 (MDDGB6). Also called: MUSCULAR DYSTROPHY-DYSTROGLYCANOPATHY (CONGENITAL WITH IMPAIRED INTELLECTUAL DEVELOPMENT), TYPE B, 6; MUSCULAR DYSTROPHY, CONGENITAL, LARGE-RELATED; MUSCULAR DYSTROPHY, CONGENITAL, TYPE 1D. Identifiers: MedGen C1837229, MONDO:0012138, OMIM 608840.

Submission:

Labcorp Genetics (formerly Invitae), Labcorp
Classification: Pathogenic for Muscular dystrophy-dystroglycanopathy type B6. Last evaluated: 2025-02-03. Review status: criteria provided, single submitter. Criteria: Invitae Variant Classification Sherloc (09022015). Collection method: clinical testing. Allele origin: germline.
Comment: This sequence change creates a premature translational stop signal (p.Glu207Glyfs*7) in the LARGE1 gene. It is expected to result in an absent or disrupted protein product. Loss-of-function variants in LARGE1 are known to be pathogenic (PMID: 12966029, 17878207). This variant is not present in population databases (gnomAD no frequency). This variant has not been reported in the literature in individuals affected with LARGE1-related conditions. ClinVar contains an entry for this variant (Variation ID: 1069815). For these reasons, this variant has been classified as Pathogenic.

Literature cited by the submitters: PubMed 12966029; PubMed 17878207.